The following is an entry in ClinVar:

ClinVar aggregate classification (germline): Uncertain significance (1 of 4 stars; one submission).

Conditions:
Ehlers-Danlos syndrome, type 4 (EDSVASC). Also called: Ehlers-Danlos Syndrome Type IV; Ehlers-Danlos syndrome vascular type; Ehlers Danlos syndrome, ecchymotic type; Ehlers Danlos syndrome, arterial type; Ehlers Danlos syndrome, Sack-Barabas type. Identifiers: Orphanet 286, MedGen C0268338, MONDO:0017314, OMIM 130050.

Submission:

All of Us Research Program, National Institutes of Health
Classification: Uncertain significance for Ehlers-Danlos syndrome, type 4. Last evaluated: 2023-10-23. Review status: criteria provided, single submitter. Criteria: ACMG Guidelines, 2015. Collection method: clinical testing. Allele origin: germline. Inheritance: Autosomal dominant inheritance. Observed: 1 variant allele, 1 heterozygote.
Comment: This missense variant replaces proline with alanine at codon 104 of the COL3A1 protein. Computational prediction suggests that this variant may not impact protein structure and function (internally defined REVEL score threshold <= 0.5, PMID: 27666373). To our knowledge, functional studies have not been reported for this variant. This variant has not been reported in individuals affected with COL3A1-related disorders in the literature. This variant has not been identified in the general population by the Genome Aggregation Database (gnomAD). The available evidence is insufficient to determine the role of this variant in disease conclusively. Therefore, this variant is classified as a Variant of Uncertain Significance.

This study involves interpretation of variants in research participants for the purpose of population health screening. Participant phenotype was not available at the time of variant classification. Additional details can be found in publication PMID: 35346344, PMCID: PMC8962531

NM_000090.4(COL3A1):c.310C>G (p.Pro104Ala)

Gene: COL3A1 (collagen type III alpha 1 chain; plus strand). Cytogenetic location: 2q32.2.
Variant type: single nucleotide variant.
Coding change: c.310C>G on transcript NM_000090.4 (MANE Select); coding-DNA position 310, C replaced by G.
Protein change: p.Pro104Ala; replaces proline 104 with alanine.
Molecular consequence: missense variant.
Genome position (GRCh38, 1-based): chr2:188,985,224, C>G. VCF-style: chr2-188985224-C-G. GRCh37 (hg19) VCF-style: chr2-189849950-C-G.
Other names: short protein forms P104A.
Identifiers: ClinVar variation 3074116 (VCV003074116.1), dbSNP rs2469107160, ClinGen allele CA349847582.